The following is an entry in ClinVar:

NM_001004334.4(GPR179):c.598C>T (p.Arg200Ter)

Gene: GPR179 (G protein-coupled receptor 179; minus strand). Cytogenetic location: 17q12.
Variant type: single nucleotide variant.
Coding change: c.598C>T on transcript NM_001004334.4 (MANE Select); coding-DNA position 598, C replaced by T.
Protein change: p.Arg200Ter; replaces arginine 200 with a stop codon.
Molecular consequence: nonsense.
Genome position (GRCh38, 1-based): chr17:38,343,192, G>A on the plus strand (C>T on the coding strand, the complement: GPR179 is on the minus strand). VCF-style: chr17-38343192-G-A. GRCh37 (hg19) VCF-style: chr17-36499075-G-A.
Other names: short protein forms R200*.
Identifiers: ClinVar variation 31202 (VCV000031202.3), dbSNP rs387907138, ClinGen allele CA129748.

ClinVar aggregate classification (germline): Pathogenic. Review status: criteria provided, multiple submitters, no conflicts (2 of 4 stars). 3 submissions from 3 submitters: Pathogenic (2). 1 of the submissions does not count toward it. Last evaluated 2025-08-06.

Conditions:
GPR179-related disorders.
Congenital stationary night blindness 1E. Also called: Night blindness, congenital stationary (complete), 1E, autosomal recessive. Identifiers: Orphanet 215, MedGen C3281215, MONDO:0013807, OMIM 614565.

Allele frequency attached by ClinVar (database versions not stated): ExAC 0.00002; gnomAD 0.00001; gnomAD exomes 0.00001; TOPMed 0.00001.

Submissions (3):

First Genomix Gene Laboratory, Genetic Diagnostics Department
Classification: Pathogenic for Congenital stationary night blindness 1E. Last evaluated: 2025-08-06. Review status: criteria provided, single submitter. Criteria: ACMG Guidelines, 2015. Collection method: clinical testing. Allele origin: germline. Inheritance: Autosomal recessive inheritance. Affected: no. Observed: 1 variant allele.

Blueprint Genetics
Classification: Pathogenic for GPR179-related disorders. Last evaluated: 2020-08-07. Review status: criteria provided, single submitter. Criteria: ACMG Guidelines, 2015. Collection method: clinical testing. Allele origin: germline. Affected: yes. Observed: 1 variant allele.

OMIM
Classification: Pathogenic for NIGHT BLINDNESS, CONGENITAL STATIONARY, TYPE 1E. Last evaluated: 2012-02-10. Review status: no assertion criteria provided. Collection method: literature only. Allele origin: germline. Not counted in ClinVar's aggregate classification.

Literature cited by the submitters: PubMed 22325361 (cited by OMIM).